The following is an entry in ClinVar:

NM_014444.5(TUBGCP4):c.1848+4_1848+5del

Genes: TUBGCP4 (tubulin gamma complex component 4; plus strand), TP53BP1 (tumor protein p53 binding protein 1; minus strand). Cytogenetic location: 15q15.3.
Variant type: Deletion.
Coding change: c.1848+4_1848+5del on transcript NM_014444.5 (MANE Select); bases 4 to 5 of the intron after coding-DNA position 1848, 2 bases deleted (CG; older notation c.1848+4_1848+5delCG).
Molecular consequence: intron variant. On other transcripts: 3 prime UTR variant (5).
Genome position (GRCh38, 1-based): chr15:43,403,803-43,403,804, CG deleted; deleting any 2 consecutive bases within chr15:43,403,802-43,403,804 gives the same sequence; the c. name uses the placement nearest the transcript's 3' end. VCF-style (leftmost placement, unchanged base first): chr15-43403801-TGC-T. GRCh37 (hg19) VCF-style: chr15-43695999-TGC-T.
Other names: c.*3580_*3581del (NM_001141979.3, NM_001141980.3, NM_001355001.2 and 2 more transcripts); c.1851+4_1851+5del (NM_001286414.3).
Identifiers: ClinVar variation 1338423 (VCV001338423.4), dbSNP rs2142896980, ClinGen allele CA2573054007.

ClinVar aggregate classification (germline): Likely pathogenic (1 of 4 stars; one submission).

Submission:

Genetic Services Laboratory, University of Chicago
Classification: Likely pathogenic. Last evaluated: 2018-07-26. Review status: criteria provided, single submitter. Criteria: ACMG Guidelines, 2015. Collection method: clinical testing. Allele origin: germline. Affected: yes.
Comment: DNA sequence analysis of the TUBGCP4 gene demonstrated a sequence change located near the canonical splice donor site in intron 16, c.1848+4_1848+5del. This sequence change does not appear to have been previously described in patients with TUBGCP4-related disorders and has also not been described as a known benign sequence change in the TUBGCP4 gene. Based on in silico splice prediction programs, this sequence change likely affects normal splicing of the TUBGCP4 gene, however functional studies have not been performed to prove this conclusively.